The following is an entry in ClinVar:

ClinVar aggregate classification (germline): Pathogenic (1 of 4 stars; one submission).

Conditions:
Primary ciliary dyskinesia 3. Identifiers: Orphanet 244, MedGen C1837618, MONDO:0012085, OMIM 608644.

Submission:

Myriad Genetics, Inc.
Classification: Pathogenic for Primary ciliary dyskinesia 3. Last evaluated: 2026-02-20. Review status: criteria provided, single submitter. Criteria: Myriad Autosomal Dominant, Autosomal Recessive and X-Linked Classification Criteria (2023). Collection method: clinical testing. Allele origin: unknown.
Comment: NM_001369.2(DNAH5):c.199A>T(R67*) is expected to be pathogenic in the context of primary ciliary dyskinesia, DNAH5-related. This variant is predicted to lead to an abnormal or absent protein product due to the creation of a premature termination codon in DNAH5, a gene where loss-of-function variants are known to be pathogenic. Please note: this variant was assessed in the context of healthy population screening.

NM_001369.3(DNAH5):c.199A>T (p.Arg67Ter)

Gene: DNAH5 (dynein axonemal heavy chain 5; minus strand). Cytogenetic location: 5p15.2.
Variant type: single nucleotide variant.
Coding change: c.199A>T on transcript NM_001369.3 (MANE Select); coding-DNA position 199, A replaced by T.
Protein change: p.Arg67Ter; replaces arginine 67 with a stop codon.
Molecular consequence: nonsense.
Genome position (GRCh38, 1-based): chr5:13,928,172, T>A on the plus strand (A>T on the coding strand, the complement: DNAH5 is on the minus strand). VCF-style: chr5-13928172-T-A. GRCh37 (hg19) VCF-style: chr5-13928281-T-A.
Other names: short protein forms R67*.
Identifiers: ClinVar variation 5015578 (VCV005015578.1).
Genomic context (GRCh38, chr5:13,928,172, plus strand): 5'-CATCTTGATAGTAAAACATGAGGTGTCGGAGACCTCCAACAGCAAAAAGTTGATCAATTC[T>A]TTCAATCTGGGAAAAAGAAAAAGGCAAGATAATGATTTTCAATCCAAATTAGAAACTGCA-3'